The following is an entry in ClinVar:

ClinVar aggregate classification (germline): Uncertain significance. Review status: criteria provided, multiple submitters, no conflicts (2 of 4 stars). 2 submissions from 2 submitters: Uncertain significance (2). Last evaluated 2025-09-21.

Conditions:
Inborn genetic diseases. Identifiers: MedGen C0950123, MeSH D030342.

Allele frequency attached by ClinVar (database versions not stated): ExAC 0.00030; 1000 Genomes Project 0.00040; ESP Exome Variant Server 0.00046; gnomAD 0.00046; TOPMed 0.00048; 1000 Genomes Project 30x 0.00062; gnomAD exomes 0.00074.
gnomAD v4.1: 1,132 of 1,613,652 alleles (0.07%); highest among the groups gnomAD compares: Non-Finnish European, 0.089%; 2 homozygotes.

Submissions (2):

Labcorp Genetics (formerly Invitae), Labcorp
Classification: Uncertain significance. Last evaluated: 2025-09-21. Review status: criteria provided, single submitter. Criteria: Invitae Variant Classification Sherloc (09022015). Collection method: clinical testing. Allele origin: germline.
Comment: This sequence change replaces arginine, which is basic and polar, with glutamine, which is neutral and polar, at codon 499 of the DHX37 protein (p.Arg499Gln). This variant is present in population databases (rs141011175, gnomAD 0.06%). This variant has not been reported in the literature in individuals affected with DHX37-related conditions. ClinVar contains an entry for this variant (Variation ID: 2202622). Invitae Evidence Modeling of protein sequence and biophysical properties (such as structural, functional, and spatial information, amino acid conservation, physicochemical variation, residue mobility, and thermodynamic stability) indicates that this missense variant is not expected to disrupt DHX37 protein function with a negative predictive value of 80%. In summary, the available evidence is currently insufficient to determine the role of this variant in disease. Therefore, it has been classified as a Variant of Uncertain Significance.

Ambry Genetics
Classification: Uncertain significance for Inborn genetic diseases. Last evaluated: 2021-06-21. Review status: criteria provided, single submitter. Criteria: Ambry Variant Classification Scheme 2023. Collection method: clinical testing. Allele origin: germline.

NM_032656.4(DHX37):c.1496G>A (p.Arg499Gln)

Gene: DHX37 (DEAH-box helicase 37; minus strand). Cytogenetic location: 12q24.31.
Variant type: single nucleotide variant.
Coding change: c.1496G>A on transcript NM_032656.4 (MANE Select); coding-DNA position 1496, G replaced by A.
Protein change: p.Arg499Gln; replaces arginine 499 with glutamine.
Molecular consequence: missense variant.
Genome position (GRCh38, 1-based): chr12:124,967,131, C>T on the plus strand (G>A on the coding strand, the complement: DHX37 is on the minus strand). VCF-style: chr12-124967131-C-T. GRCh37 (hg19) VCF-style: chr12-125451677-C-T.
Other names: c.1496G>A (NM_032656.3); short protein forms R499Q.
Identifiers: ClinVar variation 2202622 (VCV002202622.5), dbSNP rs141011175, ClinGen allele CA6872017.